The following is an entry in ClinVar:

ClinVar aggregate classification (germline): Likely pathogenic (1 of 4 stars; one submission).

Conditions:
Pyogenic bacterial infections due to MyD88 deficiency (IMD68). Also called: PYOGENIC BACTERIAL INFECTIONS, RECURRENT, DUE TO MYD88 DEFICIENCY. Identifiers: Orphanet 183713, MedGen C2677092, MONDO:0012839, OMIM 612260.

Allele frequency attached by ClinVar (database versions not stated): gnomAD exomes below 0.00001.
gnomAD v4.1: 1 of 1,613,384 alleles (0.000062%); highest among the groups gnomAD compares: Non-Finnish European, 0.000085%; no homozygotes.

Submission:

Labcorp Genetics (formerly Invitae), Labcorp
Classification: Likely pathogenic for Pyogenic bacterial infections due to MyD88 deficiency. Last evaluated: 2022-07-05. Review status: criteria provided, single submitter. Criteria: Invitae Variant Classification Sherloc (09022015). Collection method: clinical testing. Allele origin: germline.
Comment: In summary, the currently available evidence indicates that the variant is pathogenic, but additional data are needed to prove that conclusively. Therefore, this variant has been classified as Likely Pathogenic. This sequence change affects a donor splice site in intron 2 of the MYD88 gene. It is expected to disrupt RNA splicing. Variants that disrupt the donor or acceptor splice site typically lead to a loss of protein function (PMID: 16199547), and loss-of-function variants in MYD88 are known to be pathogenic (PMID: 18669862, 20538326). This variant is not present in population databases (gnomAD no frequency). This variant has not been reported in the literature in individuals affected with MYD88-related conditions. ClinVar contains an entry for this variant (Variation ID: 1508469). Algorithms developed to predict the effect of sequence changes on RNA splicing suggest that this variant may disrupt the consensus splice site.

Literature cited by the submitters: PubMed 16199547; PubMed 18669862; PubMed 20538326.

NM_002468.5(MYD88):c.463+1G>A

Gene: MYD88 (MYD88 innate immune signal transduction adaptor; plus strand). Cytogenetic location: 3p22.2.
Variant type: single nucleotide variant.
Coding change: c.463+1G>A on transcript NM_002468.5 (MANE Select); the canonical splice donor site of the intron after coding-DNA position 463, G replaced by A.
Molecular consequence: splice donor variant. On other transcripts: intron variant (3).
Genome position (GRCh38, 1-based): chr3:38,139,999, G>A. VCF-style: chr3-38139999-G-A. GRCh37 (hg19) VCF-style: chr3-38181490-G-A.
Other names: c.463+1G>A (NM_001172567.2, NM_001374787.1, NM_001365876.1 and 1 more transcripts); c.329-389G>A (NM_001172568.2, NM_001365877.1); c.329-758G>A (NM_001172566.2).
Identifiers: ClinVar variation 1508469 (VCV001508469.8), dbSNP rs2125777824, ClinGen allele CA352130921.
Genomic context (GRCh38, chr3:38,139,999, plus strand): 5'-ACAGCAGTGTCCCACGGACAGCAGAGCTGGCGGGCATCACCACACTTGATGACCCCCTGG[G>A]TAAGGGTCCAATACTGTTCCCATGGGACAGGTGGAATAGGACATTGTGGTGTTAAGAGCA-3'